The following is an entry in ClinVar:

NM_020975.6(RET):c.850G>A (p.Glu284Lys)

Gene: RET (ret proto-oncogene; plus strand). Cytogenetic location: 10q11.21.
Variant type: single nucleotide variant.
Coding change: c.850G>A on transcript NM_020975.6 (MANE Select); coding-DNA position 850, G replaced by A.
Protein change: p.Glu284Lys; replaces glutamic acid 284 with lysine.
Molecular consequence: missense variant.
Genome position (GRCh38, 1-based): chr10:43,105,176, G>A. VCF-style: chr10-43105176-G-A. GRCh37 (hg19) VCF-style: chr10-43600624-G-A.
Other names: c.850G>A, p.Glu284Lys (NM_000323.2, NM_001406743.1, NM_001406744.1 and 8 more transcripts); c.88G>A, p.Glu30Lys (NM_001355216.2); c.721G>A, p.Glu241Lys (NM_001406761.1, NM_001406762.1, NM_001406764.1 and 2 more transcripts); c.562G>A, p.Glu188Lys (NM_001406766.1, NM_001406767.1, NM_001406770.1); short protein forms E284K, E30K, E188K, E241K.
Identifiers: ClinVar variation 641201 (VCV000641201.10), dbSNP rs1588866311, ClinGen allele CA376545350.

ClinVar aggregate classification (germline): Uncertain significance. Review status: criteria provided, multiple submitters, no conflicts (2 of 4 stars). 2 submissions from 2 submitters: Uncertain significance (2). Last evaluated 2025-10-13.

Conditions:
Hereditary cancer-predisposing syndrome. Also called: Neoplastic Syndromes, Hereditary; Tumor predisposition; Hereditary Cancer Syndrome; Hereditary neoplastic syndrome. Identifiers: Orphanet 140162, MedGen C0027672, MeSH D009386, MONDO:0015356.
Multiple endocrine neoplasia, type 2 (MEN2). Identifiers: Orphanet 653, MedGen C4048306, MONDO:0019003. Disease mechanism: gain of function.

Submissions (2):

Labcorp Genetics (formerly Invitae), Labcorp
Classification: Uncertain significance for Multiple endocrine neoplasia, type 2. Last evaluated: 2025-10-13. Review status: criteria provided, single submitter. Criteria: Invitae Variant Classification Sherloc (09022015). Collection method: clinical testing. Allele origin: germline.
Comment: This sequence change replaces glutamic acid, which is acidic and polar, with lysine, which is basic and polar, at codon 284 of the RET protein (p.Glu284Lys). This variant is not present in population databases (gnomAD no frequency). This variant has not been reported in the literature in individuals affected with RET-related conditions. ClinVar contains an entry for this variant (Variation ID: 641201). An algorithm developed to predict the effect of missense changes on protein structure and function outputs the following: PolyPhen-2: "Benign". The lysine amino acid residue is found in multiple mammalian species, which suggests that this missense change does not adversely affect protein function. In summary, the available evidence is currently insufficient to determine the role of this variant in disease. Therefore, it has been classified as a Variant of Uncertain Significance.

Ambry Genetics
Classification: Uncertain significance for Hereditary cancer-predisposing syndrome. Last evaluated: 2024-08-30. Review status: criteria provided, single submitter. Criteria: Ambry Variant Classification Scheme 2023. Collection method: clinical testing. Allele origin: germline.
Comment: The p.E284K variant (also known as c.850G>A), located in coding exon 4 of the RET gene, results from a G to A substitution at nucleotide position 850. The glutamic acid at codon 284 is replaced by lysine, an amino acid with similar properties. This amino acid position is conserved. In addition, this alteration is predicted to be tolerated by in silico analysis. Based on the available evidence, the clinical significance of this variant remains unclear.